The following is an entry in ClinVar:

ClinVar aggregate classification (germline): Uncertain significance (1 of 4 stars; one submission).

Conditions:
Hereditary cancer-predisposing syndrome. Also called: Neoplastic Syndromes, Hereditary; Tumor predisposition; Hereditary neoplastic syndrome; Hereditary Cancer Syndrome. Identifiers: Orphanet 140162, MedGen C0027672, MeSH D009386, MONDO:0015356.

Submission:

Ambry Genetics
Classification: Uncertain significance for Hereditary cancer-predisposing syndrome. Last evaluated: 2017-12-27. Review status: criteria provided, single submitter. Criteria: Ambry Variant Classification Scheme 2023. Collection method: clinical testing. Allele origin: germline.
Comment: The c.3537_3542delTATATTinsAA variant, located in coding exon 13 of the PALB2 gene, results from the deletion of 6 nucleotides and insertion of two nucleotides causing a translational frameshift with a predicted alternate stop codon (p.N1179Kfs*11). Frameshifts are typically deleterious in nature, however, this frameshift occurs at the 3' terminus of PALB2, is not expected to trigger nonsense-mediated mRNA decay, and results in the elongation of the protein by 2 amino acids. The exact functional impact of these inserted amino acids is unknown at this time. Since supporting evidence is limited at this time, the clinical significance of this alteration remains unclear.

NM_024675.4(PALB2):c.3537_3542delinsAA (p.Asn1179fs)

Gene: PALB2 (partner and localizer of BRCA2; minus strand). Cytogenetic location: 16p12.2.
Variant type: Indel.
Coding change: c.3537_3542delinsAA on transcript NM_024675.4 (MANE Select); coding-DNA positions 3537 to 3542, TATATT replaced by AA.
Protein change: p.Asn1179fs; shifts the reading frame from asparagine 1179.
Molecular consequence: frameshift variant.
Genome position (GRCh38, 1-based): chr16:23,603,478-23,603,483, AATATA replaced by TT on the plus strand (TATATT replaced by AA on the coding strand, the reverse complement: PALB2 is on the minus strand). VCF-style: chr16-23603478-AATATA-TT. GRCh37 (hg19) VCF-style: chr16-23614799-AATATA-TT.
Other names: short protein forms N1179fs.
Identifiers: ClinVar variation 823901 (VCV000823901.4), dbSNP rs1597061781, ClinGen allele CA915949154.